The following is an entry in ClinVar:

ClinVar aggregate classification (germline): Uncertain significance (1 of 4 stars; one submission).

Submission:

Ambry Genetics
Classification: Uncertain significance. Last evaluated: 2023-09-05. Review status: criteria provided, single submitter. Criteria: Ambry Variant Classification Scheme 2023. Collection method: clinical testing. Allele origin: germline.
Comment: The p.P32H variant (also known as c.95C>A), located in coding exon 3 of the RAD54L gene, results from a C to A substitution at nucleotide position 95. The proline at codon 32 is replaced by histidine, an amino acid with similar properties. This amino acid position is conserved. In addition, the in silico prediction for this alteration is inconclusive. Since supporting evidence is limited at this time, the clinical significance of this alteration remains unclear.

NM_003579.4(RAD54L):c.95C>A (p.Pro32His)

Gene: RAD54L (RAD54 like; plus strand). Cytogenetic location: 1p34.1.
Variant type: single nucleotide variant.
Coding change: c.95C>A on transcript NM_003579.4 (MANE Select); coding-DNA position 95, C replaced by A.
Protein change: p.Pro32His; replaces proline 32 with histidine.
Molecular consequence: missense variant. On other transcripts: 5 prime UTR variant (1).
Genome position (GRCh38, 1-based): chr1:46,250,004, C>A. VCF-style: chr1-46250004-C-A. GRCh37 (hg19) VCF-style: chr1-46715676-C-A.
Other names: c.95C>A, p.Pro32His (NM_001142548.2); c.-446C>A (NM_001370766.1); short protein forms P32H.
Identifiers: ClinVar variation 2625168 (VCV002625168.2), dbSNP rs112896925, ClinGen allele CA340175337.
Genomic context (GRCh38, chr1:46,250,004, plus strand): 5'-ATTATGGTGATTTCTGTGGTCTTCTAGACTTCACCTTTCCCAATTCTCTCTCCTAGACTC[C>A]TAGGAAACGGAAATCCAGCAGTGAGACCCAGATCCAGGAGTGTTTCCTGTCTCCTTTTCG-3'
Protein context (NP_003570.2, residues 22-42): DEDWQPGLVT[Pro32His]RKRKSSSETQ